The following is an entry in ClinVar:

NM_020975.6(RET):c.652C>G (p.Pro218Ala)

Gene: RET (ret proto-oncogene; plus strand). Cytogenetic location: 10q11.21.
Variant type: single nucleotide variant.
Coding change: c.652C>G on transcript NM_020975.6 (MANE Select); coding-DNA position 652, C replaced by G.
Protein change: p.Pro218Ala; replaces proline 218 with alanine.
Molecular consequence: missense variant. On other transcripts: intron variant (22), 5 prime UTR variant (1).
Genome position (GRCh38, 1-based): chr10:43,104,978, C>G. VCF-style: chr10-43104978-C-G. GRCh37 (hg19) VCF-style: chr10-43600426-C-G.
Other names: c.338-4053C>G (NM_001406777.1, NM_001406778.1, NM_001406775.1 and 1 more transcripts); c.337+4256C>G (NM_001406790.1, NM_001406788.1, NM_001406789.1 and 1 more transcripts); c.74-4053C>G (NM_001406784.1); c.74-7121C>G (NM_001406794.1, NM_001406792.1, NM_001406793.1); c.625+2349C>G (NM_001406773.1, NM_001406771.1, NM_001406782.1 and 5 more transcripts); c.496+2349C>G (NM_001406786.1, NM_001406783.1); c.652C>G, p.Pro218Ala (NM_020630.7, NM_000323.2, NM_001406743.1 and 8 more transcripts); c.-111C>G (NM_001355216.2); and 2 more; short protein forms P122A, P175A, P218A.
Identifiers: ClinVar variation 2587875 (VCV002587875.6), dbSNP rs1009392744, ClinGen allele CA376544369.

ClinVar aggregate classification (germline): Conflicting classifications of pathogenicity. Review status: criteria provided, conflicting classifications (1 of 4 stars). 2 submissions from 2 submitters: Uncertain significance (1); Likely benign (1). Last evaluated 2026-08-27.

Conditions:
Multiple endocrine neoplasia, type 2 (MEN2). Identifiers: Orphanet 653, MedGen C4048306, MONDO:0019003. Disease mechanism: gain of function.
Hereditary cancer-predisposing syndrome. Also called: Hereditary neoplastic syndrome; Hereditary Cancer Syndrome; Neoplastic Syndromes, Hereditary; Tumor predisposition. Identifiers: Orphanet 140162, MedGen C0027672, MeSH D009386, MONDO:0015356.

gnomAD v4.1: 1 of 1,577,386 alleles (0.000063%); highest among the groups gnomAD compares: East Asian, 0.0023%; no homozygotes.

Submissions (2):

Ambry Genetics
Classification: Likely benign for Hereditary cancer-predisposing syndrome. Last evaluated: 2026-08-27. Review status: criteria provided, single submitter. Criteria: Ambry Variant Classification Scheme 2023. Collection method: clinical testing. Allele origin: germline.

Labcorp Genetics (formerly Invitae), Labcorp
Classification: Uncertain significance for Multiple endocrine neoplasia, type 2. Last evaluated: 2024-08-29. Review status: criteria provided, single submitter. Criteria: Invitae Variant Classification Sherloc (09022015). Collection method: clinical testing. Allele origin: germline.
Comment: This sequence change replaces proline, which is neutral and non-polar, with alanine, which is neutral and non-polar, at codon 218 of the RET protein (p.Pro218Ala). The frequency data for this variant in the population databases is considered unreliable, as metrics indicate poor data quality at this position in the gnomAD database. This variant has not been reported in the literature in individuals affected with RET-related conditions. ClinVar contains an entry for this variant (Variation ID: 2587875). An algorithm developed to predict the effect of missense changes on protein structure and function outputs the following: PolyPhen-2: "Benign". The alanine amino acid residue is found in multiple mammalian species, which suggests that this missense change does not adversely affect protein function. In summary, the available evidence is currently insufficient to determine the role of this variant in disease. Therefore, it has been classified as a Variant of Uncertain Significance.